The following is an entry in ClinVar:

ClinVar aggregate classification (germline): Uncertain significance (1 of 4 stars; one submission).

Submission:

Labcorp Genetics (formerly Invitae), Labcorp
Classification: Uncertain significance. Last evaluated: 2021-09-21. Review status: criteria provided, single submitter. Criteria: Invitae Variant Classification Sherloc (09022015). Collection method: clinical testing. Allele origin: germline.
Comment: This sequence change replaces proline with leucine at codon 767 of the CTNNB1 protein (p.Pro767Leu). The proline residue is highly conserved and there is a moderate physicochemical difference between proline and leucine. This variant is not present in population databases (ExAC no frequency). This variant has not been reported in the literature in individuals affected with CTNNB1-related conditions. Algorithms developed to predict the effect of missense changes on protein structure and function are either unavailable or do not agree on the potential impact of this missense change (SIFT: "Deleterious"; PolyPhen-2: "Benign"; Align-GVGD: "Class C0"). In summary, the available evidence is currently insufficient to determine the role of this variant in disease. Therefore, it has been classified as a Variant of Uncertain Significance.

NM_001904.4(CTNNB1):c.2300C>T (p.Pro767Leu)

Gene: CTNNB1 (catenin beta 1; plus strand). Cytogenetic location: 3p22.1.
Variant type: single nucleotide variant.
Coding change: c.2300C>T on transcript NM_001904.4 (MANE Select); coding-DNA position 2300, C replaced by T.
Protein change: p.Pro767Leu; replaces proline 767 with leucine.
Molecular consequence: missense variant.
Genome position (GRCh38, 1-based): chr3:41,239,296, C>T. VCF-style: chr3-41239296-C-T. GRCh37 (hg19) VCF-style: chr3-41280787-C-T.
Other names: c.2300C>T, p.Pro767Leu (NM_001098209.2, NM_001098210.2); c.2279C>T, p.Pro760Leu (NM_001330729.2); short protein forms P760L, P767L.
Identifiers: ClinVar variation 1382543 (VCV001382543.6), dbSNP rs756782457, ClinGen allele CA352237610.
Genomic context (GRCh38, chr3:41,239,296, plus strand): 5'-ACTATCCAGTTGATGGGCTGCCAGATCTGGGGCATGCCCAGGACCTCATGGATGGGCTGC[C>T]TCCAGGTGACAGCAATCAGCTGGCCTGGTTTGATACTGACCTGTAAATCATCCTTTAGGT-3'
Protein context (NP_001895.1, residues 757-777): GHAQDLMDGL[Pro767Leu]PGDSNQLAWF